The following is an entry in ClinVar:

ClinVar aggregate classification (germline): Uncertain significance. Review status: criteria provided, multiple submitters, no conflicts (2 of 4 stars). 2 submissions from 2 submitters: Uncertain significance (2). Last evaluated 2024-03-11.

Conditions:
Alstrom syndrome (ALMS). Identifiers: Orphanet 64, MedGen C0268425, MONDO:0008763, OMIM 203800.
ALMS1-related disorder. Also called: ALMS1-related condition.

Submissions (2):

Labcorp Genetics (formerly Invitae), Labcorp
Classification: Uncertain significance for Alstrom syndrome. Last evaluated: 2024-03-11. Review status: criteria provided, single submitter. Criteria: Invitae Variant Classification Sherloc (09022015). Collection method: clinical testing. Allele origin: germline.
Comment: This sequence change replaces glutamic acid, which is acidic and polar, with lysine, which is basic and polar, at codon 3976 of the ALMS1 protein (p.Glu3976Lys). This variant is not present in population databases (gnomAD no frequency). This variant has not been reported in the literature in individuals affected with ALMS1-related conditions. ClinVar contains an entry for this variant (Variation ID: 2065606). Experimental studies and prediction algorithms are not available or were not evaluated, and the functional significance of this variant is currently unknown. In summary, the available evidence is currently insufficient to determine the role of this variant in disease. Therefore, it has been classified as a Variant of Uncertain Significance.

PreventionGenetics, part of Exact Sciences
Classification: Uncertain significance for ALMS1-related condition. Last evaluated: 2022-12-16. Review status: criteria provided, single submitter. Criteria: ACMG Guidelines, 2015. Collection method: clinical testing. Allele origin: germline.
Comment: The ALMS1 c.11926G>A variant is predicted to result in the amino acid substitution p.Val3976Met. To our knowledge, this variant has not been reported in the literature. This variant is reported in 0.017% of alleles in individuals of Latino descent in gnomAD. At this time, the clinical significance of this variant is uncertain due to the absence of conclusive functional and genetic evidence.

NM_001378454.1(ALMS1):c.11923G>A (p.Glu3975Lys)

Genes: ALMS1 (ALMS1 centrosome and basal body associated protein; plus strand), LOC126806252 (BRD4-independent group 4 enhancer GRCh37_chr2:73828496-73829695; plus strand). Cytogenetic location: 2p13.1.
Variant type: single nucleotide variant.
Coding change: c.11923G>A on transcript NM_001378454.1 (MANE Select); coding-DNA position 11923, G replaced by A.
Protein change: p.Glu3975Lys; replaces glutamic acid 3975 with lysine.
Molecular consequence: missense variant.
Genome position (GRCh38, 1-based): chr2:73,601,245, G>A. VCF-style: chr2-73601245-G-A. GRCh37 (hg19) VCF-style: chr2-73828372-G-A.
Other names: c.11926G>A, p.Glu3976Lys (NM_015120.4); short protein forms E3975K, E3976K.
Identifiers: ClinVar variation 2065606 (VCV002065606.5), dbSNP rs1675678574, ClinGen allele CA347265675.